The following is an entry in ClinVar:

NM_001190.4(BCAT2):c.515T>C (p.Val172Ala)

Gene: BCAT2 (branched chain amino acid transaminase 2; minus strand). Cytogenetic location: 19q13.33.
Variant type: single nucleotide variant.
Coding change: c.515T>C on transcript NM_001190.4 (MANE Select); coding-DNA position 515, T replaced by C.
Protein change: p.Val172Ala; replaces valine 172 with alanine.
Molecular consequence: missense variant.
Genome position (GRCh38, 1-based): chr19:48,799,997, A>G on the plus strand (T>C on the coding strand, the complement: BCAT2 is on the minus strand). VCF-style: chr19-48799997-A-G. GRCh37 (hg19) VCF-style: chr19-49303254-A-G.
Other names: c.239T>C, p.Val80Ala (NM_001164773.2); c.395T>C, p.Val132Ala (NM_001284325.2); short protein forms V132A, V172A, V80A.
Identifiers: ClinVar variation 1386642 (VCV001386642.5), dbSNP rs1171459463, ClinGen allele CA406725320.

ClinVar aggregate classification (germline): Uncertain significance (1 of 4 stars; one submission).

Allele frequency attached by ClinVar (database versions not stated): gnomAD exomes below 0.00001 and 0.00001; TOPMed below 0.00001.
gnomAD v4.1: 3 of 1,613,786 alleles (0.00019%); highest among the groups gnomAD compares: Non-Finnish European, 0.00025%; no homozygotes.

Submission:

Labcorp Genetics (formerly Invitae), Labcorp
Classification: Uncertain significance. Last evaluated: 2021-10-19. Review status: criteria provided, single submitter. Criteria: Invitae Variant Classification Sherloc (09022015). Collection method: clinical testing. Allele origin: germline.
Comment: In summary, the available evidence is currently insufficient to determine the role of this variant in disease. Therefore, it has been classified as a Variant of Uncertain Significance. This sequence change replaces valine with alanine at codon 172 of the BCAT2 protein (p.Val172Ala). The valine residue is moderately conserved and there is a small physicochemical difference between valine and alanine. This variant is not present in population databases (ExAC no frequency). This variant has not been reported in the literature in individuals affected with BCAT2-related conditions. Algorithms developed to predict the effect of missense changes on protein structure and function (SIFT, PolyPhen-2, Align-GVGD) all suggest that this variant is likely to be tolerated.